The following is an entry in ClinVar:

NM_001368894.2(PAX6):c.399+2T>G

Gene: PAX6 (paired box 6; minus strand). Cytogenetic location: 11p13.
Variant type: single nucleotide variant.
Coding change: c.399+2T>G on transcript NM_001368894.2 (MANE Select); the canonical splice donor site of the intron after coding-DNA position 399, T replaced by G.
Molecular consequence: splice donor variant. On other transcripts: intron variant (8), 5 prime UTR variant (3).
Genome position (GRCh38, 1-based): chr11:31,801,559, A>C on the plus strand (T>G on the coding strand, the complement: PAX6 is on the minus strand). VCF-style: chr11-31801559-A-C. GRCh37 (hg19) VCF-style: chr11-31823107-A-C.
Other names: c.198+203T>G (NM_001368925.2, NM_001368924.2, NM_001368927.2 and 4 more transcripts); c.399+2T>G (NM_001368913.2, NM_001368892.2, NM_001368893.2 and 6 more transcripts); c.432+2T>G (NM_001368920.2); c.474+2T>G (NM_001368918.2, NM_001368919.2); c.357+2T>G (NM_001368889.2, NM_001368891.2, NM_001310159.1 and 10 more transcripts); c.-52+2T>G (NM_001368906.2, NM_001368908.2, NM_001368901.2 and 8 more transcripts); c.600+2T>G (NM_001368910.2); c.402+2T>G (NM_001368911.2); and 2 more.
Identifiers: ClinVar variation 3382715 (VCV003382715.2).

ClinVar aggregate classification (germline): Likely pathogenic (1 of 4 stars; one submission).

Conditions:
Aniridia 1 (AN1). Identifiers: Orphanet 250923, MedGen C0344542, MONDO:0024507, OMIM 106210.

Submission:

Juno Genomics, Hangzhou Juno Genomics, Inc
Classification: Likely pathogenic for Aniridia 1. Review status: criteria provided, single submitter. Criteria: ACMG Guidelines, 2015. Collection method: clinical testing. Allele origin: germline. Affected: yes.
Comment: Absent from controls (or at extremely low frequency if recessive) in Genome Aggregation Database, Exome Sequencing Project, 1000 Genomes Project, or Exome Aggregation Consortium.;Null variant in a gene where loss of function (LOF) is a known mechanism of disease.;The prevalence of the variant in affected individuals is significantly increased compared to the prevalence in controls.;Co-segregation with disease in multiple affected family members in a gene definitively known to cause the disease.